The following is an entry in ClinVar:

ClinVar aggregate classification (germline): Uncertain significance (1 of 4 stars; one submission).

Conditions:
Lafora disease. Also called: Progressive Myoclonus Epilepsy, Lafora Type; Epilepsy progressive myoclonic 2. Identifiers: Orphanet 501, MedGen C0751783, MONDO:0009697.

Submission:

Labcorp Genetics (formerly Invitae), Labcorp
Classification: Uncertain significance for Lafora disease. Last evaluated: 2022-12-06. Review status: criteria provided, single submitter. Criteria: Invitae Variant Classification Sherloc (09022015). Collection method: clinical testing. Allele origin: germline.
Comment: In summary, the available evidence is currently insufficient to determine the role of this variant in disease. Therefore, it has been classified as a Variant of Uncertain Significance. Advanced modeling of protein sequence and biophysical properties (such as structural, functional, and spatial information, amino acid conservation, physicochemical variation, residue mobility, and thermodynamic stability) performed at Invitae indicates that this missense variant is not expected to disrupt NHLRC1 protein function. ClinVar contains an entry for this variant (Variation ID: 860322). This variant has not been reported in the literature in individuals affected with NHLRC1-related conditions. This variant is not present in population databases (gnomAD no frequency). This sequence change replaces serine, which is neutral and polar, with tyrosine, which is neutral and polar, at codon 238 of the NHLRC1 protein (p.Ser238Tyr).

NM_198586.3(NHLRC1):c.713C>A (p.Ser238Tyr)

Gene: NHLRC1 (NHL repeat containing E3 ubiquitin protein ligase 1; minus strand). Cytogenetic location: 6p22.3.
Variant type: single nucleotide variant.
Coding change: c.713C>A on transcript NM_198586.3 (MANE Select); coding-DNA position 713, C replaced by A.
Protein change: p.Ser238Tyr; replaces serine 238 with tyrosine.
Molecular consequence: missense variant.
Genome position (GRCh38, 1-based): chr6:18,121,894, G>T on the plus strand (C>A on the coding strand, the complement: NHLRC1 is on the minus strand). VCF-style: chr6-18121894-G-T. GRCh37 (hg19) VCF-style: chr6-18122125-G-T.
Other names: short protein forms S238Y.
Identifiers: ClinVar variation 860322 (VCV000860322.10), dbSNP rs747276703, ClinGen allele CA362826414.